The following is an entry in ClinVar:

NM_000088.4(COL1A1):c.2773C>G (p.Pro925Ala)

Gene: COL1A1 (collagen type I alpha 1 chain; minus strand). Cytogenetic location: 17q21.33.
Variant type: single nucleotide variant.
Coding change: c.2773C>G on transcript NM_000088.4 (MANE Select); coding-DNA position 2773, C replaced by G.
Protein change: p.Pro925Ala; replaces proline 925 with alanine.
Molecular consequence: missense variant.
Genome position (GRCh38, 1-based): chr17:50,189,433, G>C on the plus strand (C>G on the coding strand, the complement: COL1A1 is on the minus strand). VCF-style: chr17-50189433-G-C. GRCh37 (hg19) VCF-style: chr17-48266794-G-C.
Other names: short protein forms P925A.
Identifiers: ClinVar variation 1001743 (VCV001001743.16), dbSNP rs772929903, ClinGen allele CA8644685.

ClinVar aggregate classification (germline): Conflicting classifications of pathogenicity. Review status: criteria provided, conflicting classifications (1 of 4 stars). 5 submissions from 5 submitters: Uncertain significance (3); Likely benign (2). Last evaluated 2026-03-23.

Conditions:
Ehlers-Danlos syndrome, classic type, 1 (EDSCL1). Also called: EHLERS-DANLOS SYNDROME, GRAVIS TYPE; EHLERS-DANLOS SYNDROME, SEVERE CLASSIC TYPE; EDS I; Ehlers-Danlos Syndrome, Classic Type, COL5A1-Related; Ehlers-Danlos syndrome, type 1. Identifiers: MedGen C0268335, MONDO:0019567, OMIM 130000.
Cardiovascular phenotype. Identifiers: MedGen CN230736.
Osteogenesis imperfecta type I (OI1). Also called: OI, TYPE I; OSTEOGENESIS IMPERFECTA TARDA; OSTEOGENESIS IMPERFECTA WITH BLUE SCLERAE; Osteogenesis imperfecta type 1; Classic Non-deforming Osteogenesis Imperfecta with Blue Sclerae; Lobstein's Disease. Identifiers: Orphanet 216796, Orphanet 666, MedGen C0023931, MONDO:0008146, OMIM 166200. Disease mechanism: loss of function.

Allele frequency attached by ClinVar (database versions not stated): gnomAD exomes 0.00005 and 0.00004; gnomAD 0.00005; TOPMed 0.00004; ExAC 0.00005.
gnomAD v4.1: 80 of 1,612,828 alleles (0.005%); highest among the groups gnomAD compares: Non-Finnish European, 0.0064%; no homozygotes.

Submissions (5):

Ambry Genetics
Classification: Likely benign for Cardiovascular phenotype. Last evaluated: 2026-03-23. Review status: criteria provided, single submitter. Criteria: Ambry Variant Classification Scheme 2023. Collection method: clinical testing. Allele origin: germline.

Labcorp Genetics (formerly Invitae), Labcorp
Classification: Likely benign for Osteogenesis imperfecta type I. Last evaluated: 2025-12-15. Review status: criteria provided, single submitter. Criteria: Invitae Variant Classification Sherloc (09022015). Collection method: clinical testing. Allele origin: germline.

GeneDx
Classification: Uncertain significance. Last evaluated: 2025-06-25. Review status: criteria provided, single submitter. Criteria: GeneDx Variant Classification Process June 2021. Collection method: clinical testing. Allele origin: germline. Affected: yes.
Comment: Occurs in the triple helical domain at the Y position in the canonical Gly-X-Y repeat; although this variant may have an effect on normal protein folding and function, missense substitution at the Y position is not a common mechanism of disease (HGMD); In silico analysis suggests that this missense variant does not alter protein structure/function; Has not been previously published as pathogenic or benign to our knowledge

ARUP Laboratories, Molecular Genetics and Genomics, ARUP Laboratories
Classification: Uncertain significance. Last evaluated: 2023-03-20. Review status: criteria provided, single submitter. Criteria: ARUP Molecular Germline Variant Investigation Process 2024. Collection method: clinical testing. Allele origin: germline.
Comment: The COL1A1 c.2773C>G; p.Pro925Ala variant (rs772929903), to our knowledge, is not reported in the medical literature but is reported in ClinVar (Variation ID: 1001743). This variant is observed in the general population with an overall allele frequency of 0.004% (11/281404 alleles) in the Genome Aggregation Database. Computational analyses are uncertain whether this variant is neutral or deleterious (REVEL: 0.271). Due to limited information, the clinical significance of this variant is uncertain at this time.

Baylor Genetics
Classification: Uncertain significance for Ehlers-Danlos syndrome, classic type, 1. Last evaluated: 2018-09-21. Review status: criteria provided, single submitter. Criteria: ACMG Guidelines, 2015. Collection method: clinical testing. Allele origin: paternal. Affected: yes.
Comment: This variant was determined to be of uncertain significance according to ACMG Guidelines, 2015 [PMID:25741868].